The following is an entry in ClinVar:

ClinVar aggregate classification (germline): Uncertain significance (1 of 4 stars; one submission).

Submission:

Ambry Genetics
Classification: Uncertain significance. Last evaluated: 2024-11-16. Review status: criteria provided, single submitter. Criteria: Ambry Variant Classification Scheme 2023. Collection method: clinical testing. Allele origin: germline.
Comment: The p.E642K variant (also known as c.1924G>A), located in coding exon 17 of the BUB1 gene, results from a G to A substitution at nucleotide position 1924. The glutamic acid at codon 642 is replaced by lysine, an amino acid with similar properties. This amino acid position is conserved. In addition, this alteration is predicted to be tolerated by in silico analysis. Based on the available evidence, the clinical significance of this variant remains unclear.

NM_004336.5(BUB1):c.1924G>A (p.Glu642Lys)

Gene: BUB1 (BUB1 mitotic checkpoint serine/threonine kinase; minus strand). Cytogenetic location: 2q13.
Variant type: single nucleotide variant.
Coding change: c.1924G>A on transcript NM_004336.5 (MANE Select); coding-DNA position 1924, G replaced by A.
Protein change: p.Glu642Lys; replaces glutamic acid 642 with lysine.
Molecular consequence: missense variant.
Genome position (GRCh38, 1-based): chr2:110,653,476, C>T on the plus strand (G>A on the coding strand, the complement: BUB1 is on the minus strand). VCF-style: chr2-110653476-C-T. GRCh37 (hg19) VCF-style: chr2-111411053-C-T.
Other names: c.1864G>A, p.Glu622Lys (NM_001278616.2); c.1924G>A, p.Glu642Lys (NM_001278617.2); short protein forms E642K, E622K.
Identifiers: ClinVar variation 3483104 (VCV003483104.1).